The following is an entry in ClinVar:

NM_000088.4(COL1A1):c.394_395del (p.Asp132fs)

Gene: COL1A1 (collagen type I alpha 1 chain; minus strand). Cytogenetic location: 17q21.33.
Variant type: Microsatellite.
Coding change: c.394_395del on transcript NM_000088.4 (MANE Select); coding-DNA positions 394 to 395, 2 bases deleted (GA; older notation c.394_395delGA).
Protein change: p.Asp132fs; shifts the reading frame from aspartic acid 132.
Molecular consequence: frameshift variant.
Genome position (GRCh38, 1-based): chr17:50,199,302-50,199,303, TC deleted on the plus strand (GA on the coding strand, the reverse complement: COL1A1 is on the minus strand); deleting any 2 consecutive bases within chr17:50,199,302-50,199,305 gives the same sequence; the c. name uses the placement nearest the transcript's 3' end. VCF-style (leftmost placement, unchanged base first): chr17-50199301-ATC-A. GRCh37 (hg19) VCF-style: chr17-48276662-ATC-A.
Other names: short protein forms D132fs.
Identifiers: ClinVar variation 1069954 (VCV001069954.7), dbSNP rs2144591295, ClinGen allele CA2580612658.

ClinVar aggregate classification (germline): Pathogenic (1 of 4 stars; one submission).

Conditions:
Osteogenesis imperfecta type I (OI1). Also called: OI, TYPE I; OSTEOGENESIS IMPERFECTA TARDA; OSTEOGENESIS IMPERFECTA WITH BLUE SCLERAE; Lobstein disease; Osteogenesis imperfecta type 1; Lobstein's Disease. Identifiers: Orphanet 216796, Orphanet 666, MedGen C0023931, MONDO:0008146, OMIM 166200. Disease mechanism: loss of function.

Submission:

Labcorp Genetics (formerly Invitae), Labcorp
Classification: Pathogenic for Osteogenesis imperfecta type I. Last evaluated: 2020-06-22. Review status: criteria provided, single submitter. Criteria: Invitae Variant Classification Sherloc (09022015). Collection method: clinical testing. Allele origin: germline.
Comment: For these reasons, this variant has been classified as Pathogenic. Loss-of-function variants in COL1A1 are known to be pathogenic (PMID: 7942841, 9295084, 9443882). This variant has not been reported in the literature in individuals with COL1A1-related conditions. The frequency data for this variant in the population databases is considered unreliable, as metrics indicate insufficient coverage at this position in the ExAC database. This sequence change creates a premature translational stop signal (p.Asp132Trpfs*36) in the COL1A1 gene. It is expected to result in an absent or disrupted protein product.

Literature cited by the submitters: PubMed 7942841; PubMed 9295084; PubMed 9443882.